The following is an entry in ClinVar:

ClinVar aggregate classification (germline): Uncertain significance. Review status: criteria provided, multiple submitters, no conflicts (2 of 4 stars). 2 submissions from 2 submitters: Uncertain significance (2). Last evaluated 2025-12-17.

Conditions:
Hereditary cancer-predisposing syndrome. Also called: Hereditary Cancer Syndrome; Hereditary neoplastic syndrome; Tumor predisposition; Neoplastic Syndromes, Hereditary. Identifiers: Orphanet 140162, MedGen C0027672, MeSH D009386, MONDO:0015356.

Allele frequency attached by ClinVar (database versions not stated): gnomAD exomes 0.00001.
gnomAD v4.1: 15 of 1,614,198 alleles (0.00093%); highest among the groups gnomAD compares: Non-Finnish European, 0.0011%; no homozygotes.

Submissions (2):

Labcorp Genetics (formerly Invitae), Labcorp
Classification: Uncertain significance. Last evaluated: 2025-12-17. Review status: criteria provided, single submitter. Criteria: Invitae Variant Classification Sherloc (09022015). Collection method: clinical testing. Allele origin: germline.
Comment: This sequence change replaces threonine, which is neutral and polar, with alanine, which is neutral and non-polar, at codon 76 of the FH protein (p.Thr76Ala). This variant is not present in population databases (gnomAD no frequency). This variant has not been reported in the literature in individuals affected with FH-related conditions. ClinVar contains an entry for this variant (Variation ID: 1788750). Invitae Evidence Modeling of protein sequence and biophysical properties (such as structural, functional, and spatial information, amino acid conservation, physicochemical variation, residue mobility, and thermodynamic stability) indicates that this missense variant is not expected to disrupt FH protein function with a negative predictive value of 95%. In summary, the available evidence is currently insufficient to determine the role of this variant in disease. Therefore, it has been classified as a Variant of Uncertain Significance.

Ambry Genetics
Classification: Uncertain significance for Hereditary cancer-predisposing syndrome. Last evaluated: 2023-09-25. Review status: criteria provided, single submitter. Criteria: Ambry Variant Classification Scheme 2023. Collection method: clinical testing. Allele origin: germline.
Comment: The p.T76A variant (also known as c.226A>G), located in coding exon 2 of the FH gene, results from an A to G substitution at nucleotide position 226. The threonine at codon 76 is replaced by alanine, an amino acid with similar properties. This amino acid position is highly conserved in available vertebrate species. In addition, this alteration is predicted to be deleterious by in silico analysis. Since supporting evidence is limited at this time, the clinical significance of this alteration remains unclear.

NM_000143.4(FH):c.226A>G (p.Thr76Ala)

Gene: FH (fumarate hydratase; minus strand). Cytogenetic location: 1q43.
Variant type: single nucleotide variant.
Coding change: c.226A>G on transcript NM_000143.4 (MANE Select); coding-DNA position 226, A replaced by G.
Protein change: p.Thr76Ala; replaces threonine 76 with alanine.
Molecular consequence: missense variant.
Genome position (GRCh38, 1-based): chr1:241,517,223, T>C on the plus strand (A>G on the coding strand, the complement: FH is on the minus strand). VCF-style: chr1-241517223-T-C. GRCh37 (hg19) VCF-style: chr1-241680523-T-C.
Other names: short protein forms T76A.
Identifiers: ClinVar variation 1788750 (VCV001788750.8), dbSNP rs2527340239, ClinGen allele CA345441763.